The following is an entry in ClinVar:

NM_001080.3(ALDH5A1):c.584T>C (p.Ile195Thr)

Gene: ALDH5A1 (aldehyde dehydrogenase 5 family member A1; plus strand). Cytogenetic location: 6p22.3.
Variant type: single nucleotide variant.
Coding change: c.584T>C on transcript NM_001080.3 (MANE Select); coding-DNA position 584, T replaced by C.
Protein change: p.Ile195Thr; replaces isoleucine 195 with threonine.
Molecular consequence: missense variant.
Genome position (GRCh38, 1-based): chr6:24,503,408, T>C. VCF-style: chr6-24503408-T-C. GRCh37 (hg19) VCF-style: chr6-24503636-T-C.
Other names: c.584T>C, p.Ile195Thr (NM_001368954.1, NM_170740.1); short protein forms I195T.
Identifiers: ClinVar variation 1420721 (VCV001420721.4), dbSNP rs923917352, ClinGen allele CA136127823.

ClinVar aggregate classification (germline): Uncertain significance (1 of 4 stars; one submission).

Conditions:
Succinate-semialdehyde dehydrogenase deficiency (SSADHD). Also called: GABA METABOLIC DEFECT; 4-HYDROXYBUTYRIC ACIDURIA; Succinic Semialdehyde Dehydrogenase Deficiency; SSADH DEFICIENCY. Identifiers: Orphanet 22, MedGen C0268631, MONDO:0010083, OMIM 271980.

Allele frequency attached by ClinVar (database versions not stated): gnomAD exomes below 0.00001; TOPMed 0.00002; gnomAD 0.00003.

Submission:

Labcorp Genetics (formerly Invitae), Labcorp
Classification: Uncertain significance for Succinate-semialdehyde dehydrogenase deficiency. Last evaluated: 2024-02-24. Review status: criteria provided, single submitter. Criteria: Invitae Variant Classification Sherloc (09022015). Collection method: clinical testing. Allele origin: germline.
Comment: This sequence change replaces isoleucine, which is neutral and non-polar, with threonine, which is neutral and polar, at codon 195 of the ALDH5A1 protein (p.Ile195Thr). This variant is present in population databases (no rsID available, gnomAD 0.007%). This variant has not been reported in the literature in individuals affected with ALDH5A1-related conditions. ClinVar contains an entry for this variant (Variation ID: 1420721). Advanced modeling of protein sequence and biophysical properties (such as structural, functional, and spatial information, amino acid conservation, physicochemical variation, residue mobility, and thermodynamic stability) performed at Invitae indicates that this missense variant is expected to disrupt ALDH5A1 protein function with a positive predictive value of 80%. In summary, the available evidence is currently insufficient to determine the role of this variant in disease. Therefore, it has been classified as a Variant of Uncertain Significance.